The following is an entry in ClinVar:

NM_014014.5(SNRNP200):c.623A>G (p.Asp208Gly)

Gene: SNRNP200 (small nuclear ribonucleoprotein U5 subunit 200; minus strand). Cytogenetic location: 2q11.2.
Variant type: single nucleotide variant.
Coding change: c.623A>G on transcript NM_014014.5 (MANE Select); coding-DNA position 623, A replaced by G.
Protein change: p.Asp208Gly; replaces aspartic acid 208 with glycine.
Molecular consequence: missense variant.
Genome position (GRCh38, 1-based): chr2:96,301,005, T>C on the plus strand (A>G on the coding strand, the complement: SNRNP200 is on the minus strand). VCF-style: chr2-96301005-T-C. GRCh37 (hg19) VCF-style: chr2-96966743-T-C.
Other names: short protein forms D208G.
Identifiers: ClinVar variation 3653489 (VCV003653489.2).

ClinVar aggregate classification (germline): Uncertain significance (1 of 4 stars; one submission).

gnomAD v4.1: 1 of 1,613,734 alleles (0.000062%); no homozygotes.

Submission:

Labcorp Genetics (formerly Invitae), Labcorp
Classification: Uncertain significance. Last evaluated: 2024-05-22. Review status: criteria provided, single submitter. Criteria: Invitae Variant Classification Sherloc (09022015). Collection method: clinical testing. Allele origin: germline.
Comment: This sequence change replaces aspartic acid, which is acidic and polar, with glycine, which is neutral and non-polar, at codon 208 of the SNRNP200 protein (p.Asp208Gly). This variant is not present in population databases (gnomAD no frequency). This variant has not been reported in the literature in individuals affected with SNRNP200-related conditions. Advanced modeling of protein sequence and biophysical properties (such as structural, functional, and spatial information, amino acid conservation, physicochemical variation, residue mobility, and thermodynamic stability) has been performed at Invitae for this missense variant, however the output from this modeling did not meet the statistical confidence thresholds required to predict the impact of this variant on SNRNP200 protein function. In summary, the available evidence is currently insufficient to determine the role of this variant in disease. Therefore, it has been classified as a Variant of Uncertain Significance.